The following is an entry in ClinVar:

NM_033109.5(PNPT1):c.1223del (p.Lys407_Ser408insTer)

Gene: PNPT1 (polyribonucleotide nucleotidyltransferase 1; minus strand). Cytogenetic location: 2p16.1.
Variant type: Deletion.
Coding change: c.1223del on transcript NM_033109.5 (MANE Select); coding-DNA position 1223, one base deleted (C; older notation c.1223delC).
Protein change: p.Lys407_Ser408insTer.
Molecular consequence: nonsense.
Genome position (GRCh38, 1-based): chr2:55,661,980, G deleted on the plus strand (C on the coding strand, the reverse complement: PNPT1 is on the minus strand). VCF-style (leftmost placement, unchanged base first): chr2-55661979-TG-T. GRCh37 (hg19) VCF-style: chr2-55889114-TG-T.
Identifiers: ClinVar variation 2036155 (VCV002036155.5), dbSNP rs2529542777, ClinGen allele CA2580067448.
Genomic context (GRCh38, chr2:55,661,979, plus strand): 5'-CATAAAACGTAACAAACATCTTAAAAACATAACTTACTTTATAGCTGTTATAACTTGATC[TG>T]ACTTAATACCAGATTCTAATGAATCAAATGTAACGGTACAAAGCACCTAAAAAAGAAAAA-3'

ClinVar aggregate classification (germline): Pathogenic/Likely pathogenic. Review status: criteria provided, multiple submitters, no conflicts (2 of 4 stars). 2 submissions from 2 submitters: Pathogenic (1); Likely pathogenic (1). Last evaluated 2025-05-12.

Conditions:
Combined oxidative phosphorylation defect type 13. Also called: Combined oxidative phosphorylation deficiency 13. Identifiers: Orphanet 319514, MedGen C4706283, MONDO:0013977, OMIM 614932.

Submissions (2):

Labcorp Genetics (formerly Invitae), Labcorp
Classification: Pathogenic. Last evaluated: 2025-05-12. Review status: criteria provided, single submitter. Criteria: Invitae Variant Classification Sherloc (09022015). Collection method: clinical testing. Allele origin: germline.
Comment: This sequence change creates a premature translational stop signal (p.Ser408*) in the PNPT1 gene. It is expected to result in an absent or disrupted protein product. Loss-of-function variants in PNPT1 are known to be pathogenic (PMID: 28594066, 30244537). This variant is not present in population databases (gnomAD no frequency). This variant has not been reported in the literature in individuals affected with PNPT1-related conditions. ClinVar contains an entry for this variant (Variation ID: 2036155). Algorithms developed to predict the effect of sequence changes on RNA splicing suggest that this variant may disrupt the consensus splice site. For these reasons, this variant has been classified as Pathogenic.

Variantyx, Inc.
Classification: Likely pathogenic for Combined oxidative phosphorylation defect type 13. Last evaluated: 2025-03-18. Review status: criteria provided, single submitter. Criteria: Variantyx Assertion Criteria 2022. Collection method: clinical testing. Allele origin: germline.
Comment: This is a frameshift variant in the PNPT1 gene (OMIM: 610316). Pathogenic variants in this gene have been associated with autosomal recessive combined oxidative phosphorylation deficiency 13. This variant introduces a premature termination codon in exon 14 out of 28. It is expected to result in loss of function, which is a known disease mechanism for PNPT1 in this disorder (PMID: 28594066) (PVS1). This variant is absent from control populations (PM2_Supporting). Based on the current evidence, this variant is classified as likely pathogenic for autosomal recessive combined oxidative phosphorylation deficiency 13.

Literature cited by the submitters: PubMed 28594066 (cited by Labcorp Genetics (formerly Invitae), Labcorp); PubMed 30244537 (cited by Labcorp Genetics (formerly Invitae), Labcorp).